The following is an entry in ClinVar:

NM_004360.5(CDH1):c.1575T>C (p.Ile525=)

Gene: CDH1 (cadherin 1; plus strand). Cytogenetic location: 16q22.1.
Variant type: single nucleotide variant.
Coding change: c.1575T>C on transcript NM_004360.5 (MANE Select); coding-DNA position 1575, T replaced by C.
Protein change: p.Ile525=; no amino-acid change (isoleucine 525 retained).
Molecular consequence: synonymous variant. On other transcripts: intron variant (1).
Genome position (GRCh38, 1-based): chr16:68,819,289, T>C. VCF-style: chr16-68819289-T-C. GRCh37 (hg19) VCF-style: chr16-68853192-T-C.
Other names: c.1392T>C, p.Ile464= (NM_001317184.2); c.27T>C, p.Ile9= (NM_001317185.2); c.-254-2712T>C (NM_001317186.2).
Identifiers: ClinVar variation 3379193 (VCV003379193.1).

ClinVar aggregate classification (germline): Benign (1 of 4 stars; one submission).

Conditions:
Hereditary diffuse gastric adenocarcinoma (HDGC). Also called: DIFFUSE GASTRIC AND LOBULAR BREAST CANCER SYNDROME. Identifiers: Orphanet 26106, MedGen C1708349, MONDO:0007648, OMIM 137215.

Submission:

Myriad Genetics, Inc.
Classification: Benign for Hereditary diffuse gastric adenocarcinoma. Last evaluated: 2024-09-19. Review status: criteria provided, single submitter. Criteria: Myriad Autosomal Dominant, Autosomal Recessive and X-Linked Classification Criteria (2023). Collection method: clinical testing. Allele origin: unknown.
Comment: This variant is considered benign. This variant is a silent/synonymous amino acid change and it is not expected to impact splicing.